The following is an entry in ClinVar:

ClinVar aggregate classification (germline): Conflicting classifications of pathogenicity. Review status: criteria provided, conflicting classifications (1 of 4 stars). 5 submissions from 5 submitters: Uncertain significance (2); Likely benign (3). Last evaluated 2026-04-27.

Conditions:
MAGEL2-related disorder. Also called: MAGEL2-related condition.
Inborn genetic diseases. Identifiers: MedGen C0950123, MeSH D030342.

Allele frequency attached by ClinVar (database versions not stated): TOPMed 0.00003; gnomAD exomes 0.00006; ESP Exome Variant Server 0.00008; ExAC 0.00009; gnomAD 0.00013.
gnomAD v4.1: 102 of 1,612,258 alleles (0.0063%); highest among the groups gnomAD compares: Non-Finnish European, 0.008%; no homozygotes.

Submissions (5):

PreventionGenetics, part of Exact Sciences
Classification: Uncertain significance for MAGEL2-related condition. Last evaluated: 2026-04-27. Review status: criteria provided, single submitter. Criteria: ACMG Guidelines, 2015. Collection method: clinical testing. Allele origin: germline.
Comment: The MAGEL2 c.2884A>G variant is predicted to result in the amino acid substitution p.Ser962Gly. To our knowledge, this variant has not been reported in the literature. This variant is reported in 0.022% of alleles in individuals of European (Non-Finnish) descent in gnomAD, which is likely too common for an undocumented disease-causing variant. Although we suspect that this variant may be benign, at this time, the clinical significance of this variant is uncertain due to the absence of conclusive functional and genetic evidence.

Labcorp Genetics (formerly Invitae), Labcorp
Classification: Uncertain significance. Last evaluated: 2025-11-09. Review status: criteria provided, single submitter. Criteria: Invitae Variant Classification Sherloc (09022015). Collection method: clinical testing. Allele origin: germline.
Comment: This sequence change replaces serine, which is neutral and polar, with glycine, which is neutral and non-polar, at codon 962 of the MAGEL2 protein (p.Ser962Gly). This variant is present in population databases (rs368008966, gnomAD 0.02%), including at least one homozygous and/or hemizygous individual. This variant has not been reported in the literature in individuals affected with MAGEL2-related conditions. ClinVar contains an entry for this variant (Variation ID: 1944707). Invitae Evidence Modeling of protein sequence and biophysical properties (such as structural, functional, and spatial information, amino acid conservation, physicochemical variation, residue mobility, and thermodynamic stability) indicates that this missense variant is not expected to disrupt MAGEL2 protein function with a negative predictive value of 80%. In summary, the available evidence is currently insufficient to determine the role of this variant in disease. Therefore, it has been classified as a Variant of Uncertain Significance.

Laboratory of Genetics, Children's Clinical University Hospital Latvia
Classification: Likely benign. Last evaluated: 2025-02-16. Review status: criteria provided, single submitter. Criteria: ACMG Guidelines, 2015. Collection method: clinical testing. Allele origin: germline. Affected: yes.

Ambry Genetics
Classification: Likely benign for Inborn genetic diseases. Last evaluated: 2024-11-13. Review status: criteria provided, single submitter. Criteria: Ambry Variant Classification Scheme 2023. Collection method: clinical testing. Allele origin: germline.

Blueprint Genetics
Classification: Likely benign. Last evaluated: 2024-09-18. Review status: criteria provided, single submitter. Criteria: ACMG Guidelines, 2015. Collection method: clinical testing. Allele origin: germline.

NM_019066.5(MAGEL2):c.2884A>G (p.Ser962Gly)

Gene: MAGEL2 (MAGE family member L2; minus strand). Cytogenetic location: 15q11.2.
Variant type: single nucleotide variant.
Coding change: c.2884A>G on transcript NM_019066.5 (MANE Select); coding-DNA position 2884, A replaced by G.
Protein change: p.Ser962Gly; replaces serine 962 with glycine.
Molecular consequence: missense variant.
Genome position (GRCh38, 1-based): chr15:23,644,859, T>C on the plus strand (A>G on the coding strand, the complement: MAGEL2 is on the minus strand). VCF-style: chr15-23644859-T-C. GRCh37 (hg19) VCF-style: chr15-23890006-T-C.
Other names: c.2884A>G (NM_019066.4); short protein forms S962G.
Identifiers: ClinVar variation 1944707 (VCV001944707.11), dbSNP rs368008966, ClinGen allele CA7429794.
Genomic context (GRCh38, chr15:23,644,859, plus strand): 5'-AGAGACCCAGGGCCCTGGAGGTGCTCGGGCCCTCCCAGGCACTCAGGGCCCAGGATGCGC[T>C]GGGCCCTTCCCAGCCACTCAGGATCCTGGAGGTGCTAGGGCCCTCCCAACCACTCAGGCC-3'
Protein context (NP_061939.3, residues 952-972): SRILSGWEGP[Ser962Gly]ASWALSAWEG